The following is an entry in ClinVar:

NM_001384732.1(CPLANE1):c.3662T>C (p.Val1221Ala)

Gene: CPLANE1 (ciliogenesis and planar polarity effector complex subunit 1; minus strand). Cytogenetic location: 5p13.2.
Variant type: single nucleotide variant.
Coding change: c.3662T>C on transcript NM_001384732.1 (MANE Select); coding-DNA position 3662, T replaced by C.
Protein change: p.Val1221Ala; replaces valine 1221 with alanine.
Molecular consequence: missense variant.
Genome position (GRCh38, 1-based): chr5:37,198,712, A>G on the plus strand (T>C on the coding strand, the complement: CPLANE1 is on the minus strand). VCF-style: chr5-37198712-A-G. GRCh37 (hg19) VCF-style: chr5-37198814-A-G.
Other names: c.3662T>C, p.Val1221Ala (NM_023073.4); short protein forms V1221A.
Identifiers: ClinVar variation 1428986 (VCV001428986.8), dbSNP rs1788274817, ClinGen allele CA359511028.
Genomic context (GRCh38, chr5:37,198,712, plus strand): 5'-TGAGTAATTTCAGTTAACACAGCATGTAAATGACTAAGATATTTCCATACCTTCTGCATG[A>G]CTTTTCTTGCCCACCTCAACTGCAATATATACCACTGTGCTACAGGAAAAGAACACTGAG-3'
Protein context (NP_001371661.1, residues 1211-1231): YILQLRWARK[Val1221Ala]MQKIRMKGSL

ClinVar aggregate classification (germline): Uncertain significance (1 of 4 stars; one submission).

Allele frequency attached by ClinVar (database versions not stated): gnomAD exomes 0.00001.

Submission:

Labcorp Genetics (formerly Invitae), Labcorp
Classification: Uncertain significance. Last evaluated: 2022-08-31. Review status: criteria provided, single submitter. Criteria: Invitae Variant Classification Sherloc (09022015). Collection method: clinical testing. Allele origin: germline.
Comment: In summary, the available evidence is currently insufficient to determine the role of this variant in disease. Therefore, it has been classified as a Variant of Uncertain Significance. Advanced modeling of protein sequence and biophysical properties (such as structural, functional, and spatial information, amino acid conservation, physicochemical variation, residue mobility, and thermodynamic stability) performed at Invitae indicates that this missense variant is not expected to disrupt CPLANE1 protein function. ClinVar contains an entry for this variant (Variation ID: 1428986). This variant has not been reported in the literature in individuals affected with CPLANE1-related conditions. This variant is not present in population databases (gnomAD no frequency). This sequence change replaces valine, which is neutral and non-polar, with alanine, which is neutral and non-polar, at codon 1221 of the CPLANE1 protein (p.Val1221Ala).